The following is an entry in ClinVar:

ClinVar aggregate classification (germline): Uncertain significance (1 of 4 stars; one submission).

Conditions:
Nephronophthisis 15 (NPHP15). Identifiers: Orphanet 3156, MedGen C3541853, MONDO:0013917, OMIM 614845.

Submission:

Labcorp Genetics (formerly Invitae), Labcorp
Classification: Uncertain significance for Nephronophthisis 15. Last evaluated: 2022-05-12. Review status: criteria provided, single submitter. Criteria: Invitae Variant Classification Sherloc (09022015). Collection method: clinical testing. Allele origin: germline.
Comment: In summary, the available evidence is currently insufficient to determine the role of this variant in disease. Therefore, it has been classified as a Variant of Uncertain Significance. Algorithms developed to predict the effect of missense changes on protein structure and function (SIFT, PolyPhen-2, Align-GVGD) all suggest that this variant is likely to be tolerated. This variant has not been reported in the literature in individuals affected with CEP164-related conditions. This variant is not present in population databases (gnomAD no frequency). This sequence change replaces leucine, which is neutral and non-polar, with phenylalanine, which is neutral and non-polar, at codon 929 of the CEP164 protein (p.Leu929Phe).

NM_014956.5(CEP164):c.2787G>C (p.Leu929Phe)

Gene: CEP164 (centrosomal protein 164; plus strand). Cytogenetic location: 11q23.3.
Variant type: single nucleotide variant.
Coding change: c.2787G>C on transcript NM_014956.5 (MANE Select); coding-DNA position 2787, G replaced by C.
Protein change: p.Leu929Phe; replaces leucine 929 with phenylalanine.
Molecular consequence: missense variant.
Genome position (GRCh38, 1-based): chr11:117,394,946, G>C. VCF-style: chr11-117394946-G-C. GRCh37 (hg19) VCF-style: chr11-117265662-G-C.
Other names: c.2796G>C, p.Leu932Phe (NM_001271933.2); short protein forms L929F, L932F.
Identifiers: ClinVar variation 1972259 (VCV001972259.5), dbSNP rs748626398, ClinGen allele CA382729229.